The following is an entry in ClinVar:

NM_000321.3(RB1):c.182G>T (p.Cys61Phe)

Gene: RB1 (RB transcriptional corepressor 1; plus strand). Cytogenetic location: 13q14.2.
Variant type: single nucleotide variant.
Coding change: c.182G>T on transcript NM_000321.3 (MANE Select); coding-DNA position 182, G replaced by T.
Protein change: p.Cys61Phe; replaces cysteine 61 with phenylalanine.
Molecular consequence: missense variant.
Genome position (GRCh38, 1-based): chr13:48,307,324, G>T. VCF-style: chr13-48307324-G-T. GRCh37 (hg19) VCF-style: chr13-48881460-G-T.
Other names: c.182G>T, p.Cys61Phe (NM_001407165.1, NM_001407166.1, NM_001407167.1); short protein forms C61F.
Identifiers: ClinVar variation 3637989 (VCV003637989.2).

ClinVar aggregate classification (germline): Uncertain significance (1 of 4 stars; one submission).

Conditions:
Retinoblastoma (RB1). Also called: RETINOBLASTOMA, SOMATIC. Identifiers: Orphanet 790, MedGen C0035335, MeSH D012175, MONDO:0008380, OMIM 180200, HP:0009919. Disease mechanism: loss of function. Inheritance: Both sporadic and heritable forms are tested..

Submission:

Labcorp Genetics (formerly Invitae), Labcorp
Classification: Uncertain significance for Retinoblastoma. Last evaluated: 2024-02-01. Review status: criteria provided, single submitter. Criteria: Invitae Variant Classification Sherloc (09022015). Collection method: clinical testing. Allele origin: germline.
Comment: This sequence change replaces cysteine, which is neutral and slightly polar, with phenylalanine, which is neutral and non-polar, at codon 61 of the RB1 protein (p.Cys61Phe). This variant is not present in population databases (gnomAD no frequency). This variant has not been reported in the literature in individuals affected with RB1-related conditions. Advanced modeling of protein sequence and biophysical properties (such as structural, functional, and spatial information, amino acid conservation, physicochemical variation, residue mobility, and thermodynamic stability) performed at Invitae indicates that this missense variant is expected to disrupt RB1 protein function with a positive predictive value of 80%. In summary, the available evidence is currently insufficient to determine the role of this variant in disease. Therefore, it has been classified as a Variant of Uncertain Significance.